The following is an entry in ClinVar:

ClinVar aggregate classification (germline): Uncertain significance (0 of 4 stars; one submission).

Submission:

Richard Lifton Laboratory, Yale University School of Medicine
Classification: Uncertain significance. Review status: no assertion criteria provided. Collection method: not provided. Allele origin: somatic.
Comment: SIPA1L3
ClinVar note: Converted during submission from unknown to Uncertain significance.

NM_015073.3(SIPA1L3):c.4035C>G (p.Gly1345=)

Gene: SIPA1L3 (signal induced proliferation associated 1 like 3; plus strand). Cytogenetic location: 19q13.13.
Variant type: single nucleotide variant.
Coding change: c.4035C>G on transcript NM_015073.3 (MANE Select); coding-DNA position 4035, C replaced by G.
Protein change: p.Gly1345=; no amino-acid change (glycine 1345 retained).
Molecular consequence: synonymous variant.
Genome position (GRCh38, 1-based): chr19:38,164,733, C>G. VCF-style: chr19-38164733-C-G. GRCh37 (hg19) VCF-style: chr19-38655373-C-G.
Identifiers: ClinVar variation 91987 (VCV000091987.2), dbSNP rs386352360, ClinGen allele CA232301.